The following is an entry in ClinVar:

NM_001466.4(FZD2):c.446T>A (p.Ile149Asn)

Gene: FZD2 (frizzled class receptor 2; plus strand). Cytogenetic location: 17q21.31.
Variant type: single nucleotide variant.
Coding change: c.446T>A on transcript NM_001466.4 (MANE Select); coding-DNA position 446, T replaced by A.
Protein change: p.Ile149Asn; replaces isoleucine 149 with asparagine.
Molecular consequence: missense variant.
Genome position (GRCh38, 1-based): chr17:44,558,134, T>A. VCF-style: chr17-44558134-T-A. GRCh37 (hg19) VCF-style: chr17-42635502-T-A.
Other names: short protein forms I149N.
Identifiers: ClinVar variation 4807411 (VCV004807411.1).

ClinVar aggregate classification (germline): Uncertain significance (1 of 4 stars; one submission).

Submission:

Labcorp Genetics (formerly Invitae), Labcorp
Classification: Uncertain significance. Last evaluated: 2025-02-25. Review status: criteria provided, single submitter. Criteria: Invitae Variant Classification Sherloc (09022015). Collection method: clinical testing. Allele origin: germline.
Comment: This sequence change replaces isoleucine, which is neutral and non-polar, with asparagine, which is neutral and polar, at codon 149 of the FZD2 protein (p.Ile149Asn). This variant is not present in population databases (gnomAD no frequency). This variant has not been reported in the literature in individuals affected with FZD2-related conditions. Invitae Evidence Modeling of protein sequence and biophysical properties (such as structural, functional, and spatial information, amino acid conservation, physicochemical variation, residue mobility, and thermodynamic stability) has been performed for this missense variant. However, the output from this modeling did not meet the statistical confidence thresholds required to predict the impact of this variant on FZD2 protein function. In summary, the available evidence is currently insufficient to determine the role of this variant in disease. Therefore, it has been classified as a Variant of Uncertain Significance.